The following is an entry in ClinVar:

NM_000463.3(UGT1A1):c.*339G>C

Genes: UGT1A (UDP glucuronosyltransferase family 1 member A complex locus; plus strand), UGT1A9 (UDP glucuronosyltransferase family 1 member A9; plus strand), UGT1A4 (UDP glucuronosyltransferase family 1 member A4; plus strand), UGT1A6 (UDP glucuronosyltransferase family 1 member A6; plus strand), UGT1A8 (UDP glucuronosyltransferase family 1 member A8; plus strand) and 5 more. Cytogenetic location: 2q37.1.
Variant type: single nucleotide variant.
Coding change: c.*339G>C on transcript NM_000463.3 (MANE Select); 339 bases downstream of the stop codon, G replaced by C.
Molecular consequence: 3 prime UTR variant.
Genome position (GRCh38, 1-based): chr2:233,772,898, G>C. VCF-style: chr2-233772898-G-C. GRCh37 (hg19) VCF-style: chr2-234681544-G-C.
Other names: c.*339G>C (NM_019075.4, NM_019076.5, NM_019077.3 and 6 more transcripts).
Identifiers: ClinVar variation 335085 (VCV000335085.5), dbSNP rs1042640, ClinGen allele CA10614643.
Genomic context (GRCh38, chr2:233,772,898, plus strand): 5'-TACTTTTCTTACTCTGAAACATGGCCTGTTTGGGAGTGCGGGATTCAAAGGTGGTCCCAC[G>C]GCTGCCCCTACTGCAAATGGCAGTTTTAATCTTATCTTTTGGCTTCTGCAGATGGTTGCA-3'

ClinVar aggregate classification (germline): Benign/Likely benign. Review status: criteria provided, single submitter (1 of 4 stars). 3 submissions from 1 submitter: Benign (2); Likely benign (1). Last evaluated 2018-01-13.

Conditions:
Crigler-Najjar syndrome. Identifiers: Orphanet 205, MedGen C5551003, MONDO:0009044.
Lucey-Driscoll syndrome (HBLRTFN). Also called: Transient familial neonatal hyperbilirubinemia. Identifiers: Orphanet 2312, MedGen C0270210, MONDO:0009383, OMIM 237900.
Gilbert syndrome. Also called: HYPERBILIRUBINEMIA I; HYPERBILIRUBINEMIA, ARIAS TYPE; Gilbert Disease; Gilbert's syndrome; HYPERBILIRUBINEMIA, GILBERT TYPE. Identifiers: MedGen C0017551, MONDO:0007745, OMIM 143500.

Allele frequency attached by ClinVar (database versions not stated): TOPMed 0.79563; gnomAD 0.80790 and 0.81209; 1000 Genomes Project 30x 0.81636; 1000 Genomes Project 0.82109.
gnomAD v4.1: 367,954 of 456,154 alleles (81%); highest among the groups gnomAD compares: East Asian, 89%; 148,868 homozygotes.

Submissions (3):

Illumina Laboratory Services, Illumina
Classification: Likely benign for Gilbert syndrome. Last evaluated: 2018-01-13. Review status: criteria provided, single submitter. Criteria: ICSL Variant Classification Criteria 13 December 2019. Collection method: clinical testing. Allele origin: germline.
Comment: This variant was observed in the ICSL laboratory as part of a predisposition screen in an ostensibly healthy population. It had not been previously curated by ICSL or reported in the Human Gene Mutation Database (HGMD: prior to June 1st, 2018), and was therefore a candidate for classification through an automated scoring system. Utilizing variant allele frequency, disease prevalence and penetrance estimates, and inheritance mode, an automated score was calculated to assess if this variant is too frequent to cause the disease. Based on the score and internal cut-off values, a variant classified as likely benign is not then subjected to further curation. The score for this variant resulted in a classification of likely benign for this disease.

Illumina Laboratory Services, Illumina
Classification: Benign for Crigler-Najjar syndrome. Last evaluated: 2018-01-13. Review status: criteria provided, single submitter. Criteria: ICSL Variant Classification Criteria 13 December 2019. Collection method: clinical testing. Allele origin: germline.
Comment: This variant was observed in the ICSL laboratory as part of a predisposition screen in an ostensibly healthy population. It had not been previously curated by ICSL or reported in the Human Gene Mutation Database (HGMD: prior to June 1st, 2018), and was therefore a candidate for classification through an automated scoring system. Utilizing variant allele frequency, disease prevalence and penetrance estimates, and inheritance mode, an automated score was calculated to assess if this variant is too frequent to cause the disease. Based on the score and internal cut-off values, a variant classified as benign is not then subjected to further curation. The score for this variant resulted in a classification of benign for this disease.

Illumina Laboratory Services, Illumina
Classification: Benign for Lucey-Driscoll syndrome. Last evaluated: 2018-01-13. Review status: criteria provided, single submitter. Criteria: ICSL Variant Classification Criteria 13 December 2019. Collection method: clinical testing. Allele origin: germline.
Comment: the same text as in the submission from Illumina Laboratory Services, Illumina above.